The following is an entry in ClinVar:

ClinVar aggregate classification (germline): Benign/Likely benign. Review status: criteria provided, multiple submitters, no conflicts (2 of 4 stars). 5 submissions from 5 submitters: Benign (3); Likely benign (2). Last evaluated 2026-01-14.

Allele frequency attached by ClinVar (database versions not stated): 1000 Genomes Project 0.00399; 1000 Genomes Project 30x 0.00422; ExAC 0.00865; gnomAD exomes 0.00873 and 0.01276; ESP Exome Variant Server 0.00900; gnomAD 0.00904 and 0.01001; TOPMed 0.00937.
gnomAD v4.1: 19,997 of 1,612,010 alleles (1.2%); highest among the groups gnomAD compares: Non-Finnish European, 1.5%; 165 homozygotes.

Submissions (5):

Labcorp Genetics (formerly Invitae), Labcorp
Classification: Benign. Last evaluated: 2026-01-14. Review status: criteria provided, single submitter. Criteria: Invitae Variant Classification Sherloc (09022015). Collection method: clinical testing. Allele origin: germline.

CeGaT Center for Human Genetics Tuebingen
Classification: Benign. Last evaluated: 2024-07-01. Review status: criteria provided, single submitter. Criteria: CeGaT Center For Human Genetics Tuebingen Variant Classification Criteria Version 2. Collection method: clinical testing. Allele origin: germline. Affected: yes. Observed: 14 variant alleles.
Comment: GRID2: BP4, BP7, BS1, BS2

Mayo Clinic Laboratories, Mayo Clinic
Classification: Benign. Last evaluated: 2023-09-27. Review status: criteria provided, single submitter. Criteria: ACMG Guidelines, 2015. Collection method: clinical testing. Allele origin: germline. Observed: 10 variant alleles.
Comment: BA1, BS2, BP4, BP7

GeneDx
Classification: Likely benign. Last evaluated: 2021-05-05. Review status: criteria provided, single submitter. Criteria: GeneDx Variant Classification Process June 2021. Collection method: clinical testing. Allele origin: germline. Affected: yes.

Breakthrough Genomics
Classification: Likely benign. Review status: criteria provided, single submitter. Criteria: ACMG Guidelines, 2015. Collection method: not provided. Allele origin: germline. Inheritance: Autosomal recessive inheritance. Affected: yes.

NM_001510.4(GRID2):c.855G>A (p.Arg285=)

Gene: GRID2 (glutamate ionotropic receptor delta type subunit 2; plus strand). Cytogenetic location: 4q22.2.
Variant type: single nucleotide variant.
Coding change: c.855G>A on transcript NM_001510.4 (MANE Select); coding-DNA position 855, G replaced by A.
Protein change: p.Arg285=; no amino-acid change (arginine 285 retained).
Molecular consequence: synonymous variant.
Genome position (GRCh38, 1-based): chr4:93,216,803, G>A. VCF-style: chr4-93216803-G-A. GRCh37 (hg19) VCF-style: chr4-94137954-G-A.
Other names: p.Arg285=; c.570G>A, p.Arg190= (NM_001286838.1).
Identifiers: ClinVar variation 789174 (VCV000789174.39), dbSNP rs75225211, ClinGen allele CA3012100.